The following is an entry in ClinVar:

NM_000077.5(CDKN2A):c.415G>A (p.Gly139Ser)

Gene: CDKN2A (cyclin dependent kinase inhibitor 2A; minus strand). Cytogenetic location: 9p21.3.
Variant type: single nucleotide variant.
Coding change: c.415G>A on transcript NM_000077.5; coding-DNA position 415, G replaced by A.
Protein change: p.Gly139Ser; replaces glycine 139 with serine.
Molecular consequence: missense variant (on NM_000077.6). On other transcripts: 3 prime UTR variant (2).
Genome position (GRCh38, 1-based): chr9:21,970,944, C>T on the plus strand (G>A on the coding strand, the complement: CDKN2A is on the minus strand). VCF-style: chr9-21970944-C-T. GRCh37 (hg19) VCF-style: chr9-21970943-C-T.
Other names: c.415G>A, p.Gly139Ser (NM_000077.6, NM_001195132.2); c.262G>A, p.Gly88Ser (NM_001363763.2); c.*59G>A (NM_058195.4); c.*338G>A (NM_058197.5); short protein forms G139S, G88S.
Identifiers: ClinVar variation 141419 (VCV000141419.22), dbSNP rs587781733, ClinGen allele CA165363.

ClinVar aggregate classification (germline): Uncertain significance. Review status: criteria provided, multiple submitters, no conflicts (2 of 4 stars). 5 submissions from 5 submitters: Uncertain significance (5). Last evaluated 2025-12-29.

Conditions:
Hereditary cancer-predisposing syndrome. Also called: Neoplastic Syndromes, Hereditary; Hereditary Cancer Syndrome; Tumor predisposition; Hereditary neoplastic syndrome. Identifiers: Orphanet 140162, MedGen C0027672, MeSH D009386, MONDO:0015356.
Familial melanoma. Also called: Hereditary cutaneous melanoma; Hereditary melanoma. Identifiers: Orphanet 618, MedGen C1512419, MONDO:0018961.

Allele frequency attached by ClinVar (database versions not stated): TOPMed 0.00001.
gnomAD v4.1: 4 of 1,612,380 alleles (0.00025%); highest among the groups gnomAD compares: Non-Finnish European, 0.00034%; no homozygotes.

Submissions (5):

Center for Genomic Medicine, Rigshospitalet, Copenhagen University Hospital
Classification: Uncertain significance. Last evaluated: 2025-12-29. Review status: criteria provided, single submitter. Criteria: ACMG Guidelines, 2015. Collection method: clinical testing. Allele origin: germline.

Labcorp Genetics (formerly Invitae), Labcorp
Classification: Uncertain significance for Familial melanoma. Last evaluated: 2025-08-18. Review status: criteria provided, single submitter. Criteria: Invitae Variant Classification Sherloc (09022015). Collection method: clinical testing. Allele origin: germline.
Comment: This sequence change replaces glycine, which is neutral and non-polar, with serine, which is neutral and polar, at codon 139 of the CDKN2A (p16INK4a) protein (p.Gly139Ser). This variant is not present in population databases (gnomAD no frequency). This missense change has been observed in individual(s) with CDKN2A-related cancer (PMID: 32957588). ClinVar contains an entry for this variant (Variation ID: 141419). An algorithm developed to predict the effect of missense changes on protein structure and function outputs the following: PolyPhen-2: "Benign". The serine amino acid residue is found in multiple mammalian species, which suggests that this missense change does not adversely affect protein function. In summary, the available evidence is currently insufficient to determine the role of this variant in disease. Therefore, it has been classified as a Variant of Uncertain Significance.

GeneDx
Classification: Uncertain significance. Last evaluated: 2024-12-09. Review status: criteria provided, single submitter. Criteria: GeneDx Variant Classification Process June 2021. Collection method: clinical testing. Allele origin: germline. Affected: yes.
Comment: Not observed at significant frequency in large population cohorts (gnomAD); In silico analysis indicates that this missense variant does not alter protein structure/function; Observed in an individual with breast cancer (PMID: 32957588); This variant is associated with the following publications: (PMID: 32957588)

Color Diagnostics, LLC DBA Color Health
Classification: Uncertain significance for Hereditary cancer-predisposing syndrome. Last evaluated: 2024-03-28. Review status: criteria provided, single submitter. Criteria: ACMG Guidelines, 2015. Collection method: clinical testing. Allele origin: germline.
Comment: The CDKN2A locus encodes two different gene products, p16INK4a and p14ARF. This missense variant replaces glycine with serine at codon 139 of the CDKN2A (p16INK4A) protein. Computational prediction suggests that this variant may not impact protein structure and function. To our knowledge, functional studies have not been reported for this variant. This variant has been reported in an individual affected with breast cancer (PMID: 32957588). This variant has not been identified in the general population by the Genome Aggregation Database (gnomAD). The available evidence is insufficient to determine the role of this variant in disease conclusively. Therefore, this variant is classified as a Variant of Uncertain Significance.

Ambry Genetics
Classification: Uncertain significance for Hereditary cancer-predisposing syndrome. Last evaluated: 2024-01-10. Review status: criteria provided, single submitter. Criteria: Ambry Variant Classification Scheme 2023. Collection method: clinical testing. Allele origin: germline.
Comment: The p.G139S variant (also known as c.415G>A), located in coding exon 2 of the CDKN2A gene, results from a G to A substitution at nucleotide position 415. The glycine at codon 139 is replaced by serine, an amino acid with similar properties. This alteration has been reported in an individual with a personal history of breast cancer (Germani A et al. J Clin Med, 2020 Sep;9:). This amino acid position is poorly conserved in available vertebrate species. In addition, this alteration is predicted to be tolerated by in silico analysis. Since supporting evidence is limited at this time, the clinical significance of this alteration remains unclear.

Literature cited by the submitters: PubMed 32957588 (cited by 3 submitters).